The following is an entry in ClinVar:

ClinVar aggregate classification (germline): Conflicting classifications of pathogenicity. Review status: criteria provided, conflicting classifications (1 of 4 stars). 3 submissions from 3 submitters: Uncertain significance (2); Likely benign (1). Last evaluated 2023-07-26.

Conditions:
Hereditary cancer-predisposing syndrome. Also called: Hereditary neoplastic syndrome; Hereditary Cancer Syndrome; Neoplastic Syndromes, Hereditary; Tumor predisposition. Identifiers: Orphanet 140162, MedGen C0027672, MeSH D009386, MONDO:0015356.

Allele frequency attached by ClinVar (database versions not stated): gnomAD below 0.00001 and 0.00001; gnomAD exomes below 0.00001 and 0.00001; ExAC 0.00002.
gnomAD v4.1: 3 of 1,590,760 alleles (0.00019%); highest among the groups gnomAD compares: South Asian, 0.0035%; no homozygotes.

Submissions (3):

Ambry Genetics
Classification: Uncertain significance for Hereditary cancer-predisposing syndrome. Last evaluated: 2023-07-26. Review status: criteria provided, single submitter. Criteria: Ambry Variant Classification Scheme 2023. Collection method: clinical testing. Allele origin: germline.
Comment: The p.L1669I variant (also known as c.5005T>A), located in coding exon 10 of the BRCA2 gene, results from a T to A substitution at nucleotide position 5005. The leucine at codon 1669 is replaced by isoleucine, an amino acid with highly similar properties. This amino acid position is conserved. In addition, this alteration is predicted to be tolerated by in silico analysis. Since supporting evidence is limited at this time, the clinical significance of this alteration remains unclear.

University of Washington Department of Laboratory Medicine, University of Washington
Classification: Likely benign for Hereditary cancer-predisposing syndrome. Last evaluated: 2023-03-23. Review status: criteria provided, single submitter. Criteria: Dines et al. (Genet Med. 2020). Collection method: curation. Allele origin: germline.
Comment: Missense variant in a coldspot region where missense variants are very unlikely to be pathogenic (PMID:31911673).

BRCA2 exon 11 coldspot. Reclassification based on statistical prior probability.

GeneDx
Classification: Uncertain significance. Last evaluated: 2016-01-20. Review status: criteria provided, single submitter. Criteria: GeneDx Variant Classification (06012015). Collection method: clinical testing. Allele origin: germline. Affected: yes.
Comment: This variant is denoted BRCA2 c.5005T>A at the cDNA level, p.Leu1669Ile (L1669I) at the protein level, and results in the change of a Leucine to an Isoleucine (TTA>ATA). Using alternate nomenclature, this variant would be defined as BRCA2 5233T>A. This variant has not, to our knowledge, been published in the literature as pathogenic or benign. BRCA2 Leu1669Ile was not observed in approximately 6,500 individuals of European and African American ancestry in the NHLBI Exome Sequencing Project, suggesting it is not a common benign variant in these populations. Since Leucine and Isoleucine share similar properties, this is considered a conservative amino acid substitution. BRCA2 Leu1669Ile occurs at a position that is not conserved and is located in the 5th BRC repeat domain (Roy 2012). In silico analyses predict that this variant is unlikely to alter protein structure or function. Based on currently available evidence, it is unclear whether BRCA2 Leu1669Ile is a pathogenic or benign variant. We consider it to be a variant of uncertain significance.

NM_000059.4(BRCA2):c.5005T>A (p.Leu1669Ile)

Gene: BRCA2 (BRCA2 DNA repair associated; plus strand). Cytogenetic location: 13q13.1.
Variant type: single nucleotide variant.
Coding change: c.5005T>A on transcript NM_000059.4 (MANE Select); coding-DNA position 5005, T replaced by A.
Protein change: p.Leu1669Ile; replaces leucine 1669 with isoleucine.
Molecular consequence: missense variant.
Genome position (GRCh38, 1-based): chr13:32,339,360, T>A. VCF-style: chr13-32339360-T-A. GRCh37 (hg19) VCF-style: chr13-32913497-T-A.
Other names: short protein forms L1669I.
Identifiers: ClinVar variation 234781 (VCV000234781.6), dbSNP rs771336341, ClinGen allele CA6940839.
Genomic context (GRCh38, chr13:32,339,360, plus strand): 5'-AAAAGTCCTGCAACTTGTTACACAAATCAGTCCCCTTATTCAGTCATTGAAAATTCAGCC[T>A]TAGCTTTTTACACAAGTTGTAGTAGAAAAACTTCTGTGAGTCAGACTTCATTACTTGAAG-3'
Protein context (NP_000050.3, residues 1659-1679): SPYSVIENSA[Leu1669Ile]AFYTSCSRKT